The following is an entry in ClinVar:

NM_152416.4(NDUFAF6):c.198-147G>A

Gene: NDUFAF6 (NADH:ubiquinone oxidoreductase complex assembly factor 6; plus strand). Cytogenetic location: 8q22.1.
Variant type: single nucleotide variant.
Coding change: c.198-147G>A on transcript NM_152416.4 (MANE Select); 147 bases into the intron before coding-DNA position 198, G replaced by A.
Molecular consequence: intron variant.
Genome position (GRCh38, 1-based): chr8:95,031,848, G>A. VCF-style: chr8-95031848-G-A. GRCh37 (hg19) VCF-style: chr8-96044076-G-A.
Other names: c.-136-147G>A (NM_001354534.2); c.-83-147G>A (NM_001354514.2, NM_001354515.2, NM_001330582.2 and 1 more transcripts); c.-456-147G>A (NM_001354525.2, NM_001354524.2); c.-383-147G>A (NM_001354522.2, NM_001354529.2); c.42-147G>A (NM_001354516.2); c.-571-147G>A (NM_001354528.2); c.-600-147G>A (NM_001354527.2); c.-255-147G>A (NM_001354518.2); and 6 more.
Identifiers: ClinVar variation 676241 (VCV000676241.1), dbSNP rs11781001, ClinGen allele CA12816691.

ClinVar aggregate classification (germline): Benign (1 of 4 stars; one submission).

Allele frequency attached by ClinVar (database versions not stated): 1000 Genomes Project 0.09904; 1000 Genomes Project 30x 0.09963; TOPMed 0.12333; gnomAD 0.13145 and 0.13169; gnomAD exomes 0.14843.
gnomAD v4.1: 102,760 of 710,802 alleles (14%); highest among the groups gnomAD compares: Middle Eastern, 22%; 8,070 homozygotes.

Submission:

GeneDx
Classification: Benign. Last evaluated: 2018-06-14. Review status: criteria provided, single submitter. Criteria: GeneDx Variant Classification (06012015). Collection method: clinical testing. Allele origin: germline. Affected: yes.
Comment: This variant is considered likely benign or benign based on one or more of the following criteria: it is a conservative change, it occurs at a poorly conserved position in the protein, it is predicted to be benign by multiple in silico algorithms, and/or has population frequency not consistent with disease.